The following is an entry in ClinVar:

NM_020297.4(ABCC9):c.574-270C>A

Gene: ABCC9 (ATP binding cassette subfamily C member 9; minus strand). Cytogenetic location: 12p12.1.
Variant type: single nucleotide variant.
Coding change: c.574-270C>A on transcript NM_020297.4 (MANE Select); 270 bases into the intron before coding-DNA position 574, C replaced by A.
Molecular consequence: intron variant.
Genome position (GRCh38, 1-based): chr12:21,916,180, G>T on the plus strand (C>A on the coding strand, the complement: ABCC9 is on the minus strand). VCF-style: chr12-21916180-G-T. GRCh37 (hg19) VCF-style: chr12-22069114-G-T.
Other names: c.-48-3114C>A (NM_001377274.1); c.574-270C>A (NM_005691.4, NM_001377273.1).
Identifiers: ClinVar variation 681185 (VCV000681185.1), dbSNP rs4148650, ClinGen allele CA233613641.

ClinVar aggregate classification (germline): Benign (1 of 4 stars; one submission).

Allele frequency attached by ClinVar (database versions not stated): gnomAD 0.59514 and 0.59991; TOPMed 0.59644; 1000 Genomes Project 30x 0.63632; 1000 Genomes Project 0.64377.
gnomAD v4.1: 91,060 of 151,864 alleles (60%); highest among the groups gnomAD compares: East Asian, 80%; 27,510 homozygotes.

Submission:

GeneDx
Classification: Benign. Last evaluated: 2018-06-14. Review status: criteria provided, single submitter. Criteria: GeneDx Variant Classification (06012015). Collection method: clinical testing. Allele origin: germline. Affected: yes.
Comment: This variant is considered likely benign or benign based on one or more of the following criteria: it is a conservative change, it occurs at a poorly conserved position in the protein, it is predicted to be benign by multiple in silico algorithms, and/or has population frequency not consistent with disease.